The following is an entry in ClinVar:

ClinVar aggregate classification (germline): Uncertain significance (1 of 4 stars; one submission).

Conditions:
Inborn genetic diseases. Identifiers: MedGen C0950123, MeSH D030342.

Submission:

Ambry Genetics
Classification: Uncertain significance for Inborn genetic diseases. Last evaluated: 2026-05-14. Review status: criteria provided, single submitter. Criteria: Ambry Variant Classification Scheme 2023. Collection method: clinical testing. Allele origin: germline.
Comment: The p.K1031R variant (also known as c.3092A>G), located in coding exon 13 of the ASXL1 gene, results from an A to G substitution at nucleotide position 3092. The lysine at codon 1031 is replaced by arginine, an amino acid with highly similar properties. This amino acid position is conserved. In addition, this alteration is predicted to be tolerated by in silico analysis. Based on the available evidence, the clinical significance of this variant remains unclear.

NM_015338.6(ASXL1):c.3092A>G (p.Lys1031Arg)

Gene: ASXL1 (ASXL transcriptional regulator 1; plus strand). Cytogenetic location: 20q11.21.
Variant type: single nucleotide variant.
Coding change: c.3092A>G on transcript NM_015338.6 (MANE Select); coding-DNA position 3092, A replaced by G.
Protein change: p.Lys1031Arg; replaces lysine 1031 with arginine.
Molecular consequence: missense variant.
Genome position (GRCh38, 1-based): chr20:32,435,804, A>G. VCF-style: chr20-32435804-A-G. GRCh37 (hg19) VCF-style: chr20-31023607-A-G.
Other names: c.2909A>G, p.Lys970Arg (NM_001363734.1); short protein forms K1031R, K970R.
Identifiers: ClinVar variation 4864627 (VCV004864627.1).